The following continues an entry in ClinVar:

NM_001009944.3(PKD1):c.8017-2_8017-1del

Gene: PKD1. ClinVar aggregate classification (germline): Pathogenic. Pathogenic (15).

Submissions 15 to 17 of 17:

Neuberg Centre For Genomic Medicine, NCGM
Classification: Pathogenic for Polycystic kidney disease, adult type. Review status: criteria provided, single submitter. Criteria: ACMG Guidelines, 2015. Collection method: clinical testing. Allele origin: germline. Inheritance: Autosomal dominant inheritance. Affected: yes.
Comment: The splice acceptor variant c.8017-2_8017-1delAG in PKD1 (NM_001009944.3) was identified in 5 of 2104 proband chromosomes (frequency: 0.002) from individuals or families with ADPKD (Audrezet et al 2012; Inoue et al 2002; Rossetti et al; 2001, Rossetti et al 2007). The variant has been reported to ClinVar as Pathogenic. The c.8017-2_8017-1delAG variant is novel (not in any individuals) in gnomAD Exomes and is novel (not in any individuals) in 1000 Genomes. This variant mutates a splice-acceptor sequence, potentially resulting in exon skipping and the production of abnormal proteins. The c.8017-2_8017-1delAG variant is a loss of function variant in the gene PKD1, which is intolerant of Loss of Function variants. For these reasons, this variant has been classified as Pathogenic.

PreventionGenetics, part of Exact Sciences
Classification: Pathogenic for PKD1-related condition. Last evaluated: 2024-05-29. Review status: no assertion criteria provided. Collection method: clinical testing. Allele origin: germline. Not counted in ClinVar's aggregate classification.
Comment: The PKD1 c.8017-2_8017-1delAG variant is predicted to result in a deletion affecting a canonical splice site. This canonical splice variant has been reported to be pathogenic for autosomal dominant polycystic kidney disease (ADPKD) (described as IVS21-2delAG in Rossetti et al. 2001. PubMed ID: 11115377). This variant has not been reported in a large population database, indicating this variant is rare. This variant is interpreted as pathogenic.

Department of Pathology and Laboratory Medicine, Sinai Health System
Classification: Pathogenic for Polycystic Kidney disease. Review status: no assertion criteria provided. Collection method: clinical testing. Allele origin: unknown. Affected: yes. Observed: 1 variant allele. Study: The Canadian Open Genetics Repository (COGR). Not counted in ClinVar's aggregate classification.
Comment: The PKD1 c.8017-2_8017-1del variant was identified in 5 of 2104 proband chromosomes (frequency: 0.002) from individuals or families with ADPKD (Audrezet 2012, Inoue 2002, Rossetti 2001, Rossetti 2007). The variant was also identified in ClinVar (classified as pathogenic by Athena Diagnostics), LOVD 3.0 (2x), and in ADPKD Mutation Database (as Definitely Pathogenic). The variant was not identified in dbSNP or PKD1-LOVD. The variant was not identified in the following control databases: the Exome Aggregation Consortium (August 8th 2016) or the Genome Aggregation Database (Feb 27, 2017). The c.8017-2_8017-1del variant is predicted to cause abnormal splicing because the nucleotide substitution occurs in the invariant region of the splice consensus sequence. In addition, 4 of 4 in silico or computational prediction software programs (SpliceSiteFinder, MaxEntScan, NNSPLICE, GeneSplicer) predict a greater than 10% difference in splicing. In summary, based on the above information, this variant meets our laboratoryâ€šÃ„Ã´s criteria to be classified as pathogenic.

Literature cited by the submitters: PubMed 26632257 (cited by Victorian Clinical Genetics Services, Murdoch Childrens Research Institute and Mayo Clinic Laboratories, Mayo Clinic); PubMed 17582161 (cited by 3 submitters); PubMed 25263802 (cited by Victorian Clinical Genetics Services, Murdoch Childrens Research Institute and Mayo Clinic Laboratories, Mayo Clinic); PubMed 11115377 (cited by 3 submitters); PubMed 11967008 (cited by Mayo Clinic Laboratories, Mayo Clinic); PubMed 12007219 (cited by Mayo Clinic Laboratories, Mayo Clinic and Athena Diagnostics); PubMed 18257781 (cited by Mayo Clinic Laboratories, Mayo Clinic and Athena Diagnostics); PubMed 22508176 (cited by Mayo Clinic Laboratories, Mayo Clinic); PubMed 27499327 (cited by Mayo Clinic Laboratories, Mayo Clinic and Women's Health and Genetics/Laboratory Corporation of America, LabCorp); PubMed 28378423 (cited by Mayo Clinic Laboratories, Mayo Clinic); PubMed 31730820 (cited by Mayo Clinic Laboratories, Mayo Clinic); PubMed 31740684 (cited by Mayo Clinic Laboratories, Mayo Clinic); PubMed 33437033 (cited by Mayo Clinic Laboratories, Mayo Clinic); PubMed 35325889 (cited by Mayo Clinic Laboratories, Mayo Clinic); PubMed 36186434 (cited by Mayo Clinic Laboratories, Mayo Clinic); PubMed 36938073 (cited by Mayo Clinic Laboratories, Mayo Clinic); PubMed 37509056 (cited by Mayo Clinic Laboratories, Mayo Clinic).